The following is an entry in ClinVar:

ClinVar aggregate classification (germline): Uncertain significance. Review status: criteria provided, multiple submitters, no conflicts (2 of 4 stars). 2 submissions from 2 submitters: Uncertain significance (2). Last evaluated 2024-12-09.

Conditions:
Inborn genetic diseases. Identifiers: MedGen C0950123, MeSH D030342.

Allele frequency attached by ClinVar (database versions not stated): gnomAD exomes 0.00003 and 0.00005; ExAC 0.00005; gnomAD 0.00019 and 0.00020; 1000 Genomes Project 0.00020; TOPMed 0.00022; ESP Exome Variant Server 0.00031; 1000 Genomes Project 30x 0.00047.
gnomAD v4.1: 73 of 1,614,050 alleles (0.0045%); highest among the groups gnomAD compares: African/African-American, 0.092%; no homozygotes.

Submissions (2):

Labcorp Genetics (formerly Invitae), Labcorp
Classification: Uncertain significance. Last evaluated: 2024-12-09. Review status: criteria provided, single submitter. Criteria: Invitae Variant Classification Sherloc (09022015). Collection method: clinical testing. Allele origin: germline.
Comment: This sequence change replaces alanine, which is neutral and non-polar, with serine, which is neutral and polar, at codon 25 of the CD40 protein (p.Ala25Ser). This variant is present in population databases (rs147677886, gnomAD 0.06%). This variant has not been reported in the literature in individuals affected with CD40-related conditions. ClinVar contains an entry for this variant (Variation ID: 1523889). Invitae Evidence Modeling of protein sequence and biophysical properties (such as structural, functional, and spatial information, amino acid conservation, physicochemical variation, residue mobility, and thermodynamic stability) indicates that this missense variant is not expected to disrupt CD40 protein function with a negative predictive value of 80%. In summary, the available evidence is currently insufficient to determine the role of this variant in disease. Therefore, it has been classified as a Variant of Uncertain Significance.

Ambry Genetics
Classification: Uncertain significance for Inborn genetic diseases. Last evaluated: 2021-06-22. Review status: criteria provided, single submitter. Criteria: Ambry Variant Classification Scheme 2023. Collection method: clinical testing. Allele origin: germline.

NM_001250.6(CD40):c.73G>T (p.Ala25Ser)

Gene: CD40 (CD40 molecule; plus strand). Cytogenetic location: 20q13.12.
Variant type: single nucleotide variant.
Coding change: c.73G>T on transcript NM_001250.6 (MANE Select); coding-DNA position 73, G replaced by T.
Protein change: p.Ala25Ser; replaces alanine 25 with serine.
Molecular consequence: missense variant. On other transcripts: non-coding transcript variant (2).
Genome position (GRCh38, 1-based): chr20:46,121,841, G>T. VCF-style: chr20-46121841-G-T. GRCh37 (hg19) VCF-style: chr20-44750480-G-T.
Other names: c.73G>T (NM_001250.4); c.73G>T, p.Ala25Ser (NM_001362758.2, NM_152854.4, NM_001302753.2 and 2 more transcripts); short protein forms A25S.
Identifiers: ClinVar variation 1523889 (VCV001523889.7), dbSNP rs147677886, ClinGen allele CA9888358.
Genomic context (GRCh38, chr20:46,121,841, plus strand): 5'-ATTTCAAGATCCCTTCAAATTGCACAATTCTGTTTTTAGGTCCATCCAGAACCACCCACT[G>T]CATGCAGAGAAAAACAGTACCTAATAAACAGTCAGTGCTGTTCTTTGTGCCAGCCAGGTG-3'
Protein context (NP_001241.1, residues 15-35): LTAVHPEPPT[Ala25Ser]CREKQYLINS